The following is an entry in ClinVar:

NM_001365951.3(KIF1B):c.3353C>T (p.Thr1118Ile)

Gene: KIF1B (kinesin family member 1B; plus strand). Cytogenetic location: 1p36.22.
Variant type: single nucleotide variant.
Coding change: c.3353C>T on transcript NM_001365951.3 (MANE Select); coding-DNA position 3353, C replaced by T.
Protein change: p.Thr1118Ile; replaces threonine 1118 with isoleucine.
Molecular consequence: missense variant.
Genome position (GRCh38, 1-based): chr1:10,337,464, C>T. VCF-style: chr1-10337464-C-T. GRCh37 (hg19) VCF-style: chr1-10397522-C-T.
Other names: c.3353C>T, p.Thr1118Ile (NM_001365952.1); c.3215C>T, p.Thr1072Ile (NM_015074.3); short protein forms T1072I, T1118I.
Identifiers: ClinVar variation 4043050 (VCV004043050.1).
Genomic context (GRCh38, chr1:10,337,464, plus strand): 5'-TGGTAATGGAAGGGTTTTCTGAAGAGATTGGCAACCACCTGAAACTGGGCAGTGCCTTCA[C>T]TTTCCGAGTAACAGTGTTGCAGGCCAGTGGAATCCTCCCAGAGTATGCAGATATCTTCTG-3'
Protein context (NP_001352880.1, residues 1108-1128): GNHLKLGSAF[Thr1118Ile]FRVTVLQASG

ClinVar aggregate classification (germline): Uncertain significance (1 of 4 stars; one submission).

Submission:

Ambry Genetics
Classification: Uncertain significance. Last evaluated: 2025-05-08. Review status: criteria provided, single submitter. Criteria: Ambry Variant Classification Scheme 2023. Collection method: clinical testing. Allele origin: germline.
Comment: The p.T1072I variant (also known as c.3215C>T), located in coding exon 28 of the KIF1B gene, results from a C to T substitution at nucleotide position 3215. The threonine at codon 1072 is replaced by isoleucine, an amino acid with similar properties. This amino acid position is conserved. In addition, this alteration is predicted to be deleterious by in silico analysis. Based on the available evidence, the clinical significance of this variant remains unclear.